The following is an entry in ClinVar:

NM_001353214.3(DYM):c.781T>C (p.Phe261Leu)

Gene: DYM (dymeclin; minus strand). Cytogenetic location: 18q21.1.
Variant type: single nucleotide variant.
Coding change: c.781T>C on transcript NM_001353214.3 (MANE Select); coding-DNA position 781, T replaced by C.
Protein change: p.Phe261Leu; replaces phenylalanine 261 with leucine.
Molecular consequence: missense variant. On other transcripts: intron variant (1).
Genome position (GRCh38, 1-based): chr18:49,286,599, A>G on the plus strand (T>C on the coding strand, the complement: DYM is on the minus strand). VCF-style: chr18-49286599-A-G. GRCh37 (hg19) VCF-style: chr18-46812969-A-G.
Other names: c.781T>C (NM_017653.3); c.778T>C, p.Phe260Leu (NM_001353210.3, NM_001353211.3, NM_001353212.3 and 3 more transcripts); c.781T>C, p.Phe261Leu (NM_001353215.3, NM_001353216.3, NM_001374428.1 and 5 more transcripts); c.775T>C, p.Phe259Leu (NM_001374429.1, NM_001374439.1); c.655T>C, p.Phe219Leu (NM_001374432.1, NM_001374436.1); c.553T>C, p.Phe185Leu (NM_001374440.1); c.211T>C, p.Phe71Leu (NM_001374441.1, NM_001374442.1, NM_001374444.1); c.208T>C, p.Phe70Leu (NM_001374443.1); and 1 more; short protein forms F70L, F185L, F259L, F260L, F261L, F219L, F71L.
Identifiers: ClinVar variation 1433062 (VCV001433062.9), dbSNP rs770289755, ClinGen allele CA8958248.

ClinVar aggregate classification (germline): Uncertain significance. Review status: criteria provided, multiple submitters, no conflicts (2 of 4 stars). 2 submissions from 2 submitters: Uncertain significance (2). Last evaluated 2024-04-24.

Conditions:
Inborn genetic diseases. Identifiers: MedGen C0950123, MeSH D030342.

Allele frequency attached by ClinVar (database versions not stated): gnomAD exomes 0.00001 and 0.00003; TOPMed 0.00001; ExAC 0.00002.
gnomAD v4.1: 7 of 1,613,996 alleles (0.00043%); highest among the groups gnomAD compares: East Asian, 0.016%; no homozygotes.

Submissions (2):

Ambry Genetics
Classification: Uncertain significance for Inborn genetic diseases. Last evaluated: 2024-04-24. Review status: criteria provided, single submitter. Criteria: Ambry Variant Classification Scheme 2023. Collection method: clinical testing. Allele origin: germline.

Labcorp Genetics (formerly Invitae), Labcorp
Classification: Uncertain significance. Last evaluated: 2023-08-10. Review status: criteria provided, single submitter. Criteria: Invitae Variant Classification Sherloc (09022015). Collection method: clinical testing. Allele origin: germline.
Comment: Advanced modeling of protein sequence and biophysical properties (such as structural, functional, and spatial information, amino acid conservation, physicochemical variation, residue mobility, and thermodynamic stability) performed at Invitae indicates that this missense variant is not expected to disrupt DYM protein function. This sequence change replaces phenylalanine, which is neutral and non-polar, with leucine, which is neutral and non-polar, at codon 261 of the DYM protein (p.Phe261Leu). This variant is present in population databases (rs770289755, gnomAD 0.05%). This variant has not been reported in the literature in individuals affected with DYM-related conditions. ClinVar contains an entry for this variant (Variation ID: 1433062). In summary, the available evidence is currently insufficient to determine the role of this variant in disease. Therefore, it has been classified as a Variant of Uncertain Significance.